The following is an entry in ClinVar:

ClinVar aggregate classification (germline): Likely benign (1 of 4 stars; one submission).

Submission:

CeGaT Center for Human Genetics Tuebingen
Classification: Likely benign. Last evaluated: 2026-01-01. Review status: criteria provided, single submitter. Criteria: CeGaT Center For Human Genetics Tuebingen Variant Classification Criteria Version 2. Collection method: clinical testing. Allele origin: germline. Affected: yes. Observed: 1 variant allele.
Comment: GOLGA8R: BP4, BP7

NM_001282484.1(GOLGA8R):c.1023G>A (p.Arg341=)

Gene: GOLGA8R (golgin A8 family member R). Cytogenetic location: 15q13.2.
Variant type: single nucleotide variant.
Coding change: c.1023G>A on transcript NM_001282484.1 (MANE Select); coding-DNA position 1023, G replaced by A.
Protein change: p.Arg341=; no amino-acid change (arginine 341 retained).
Molecular consequence: synonymous variant.
Genome position (GRCh38, 1-based): chr15:30,407,380, C>T on the plus strand (G>A on the coding strand, the complement: GOLGA8R is on the minus strand). VCF-style: chr15-30407380-C-T. GRCh37 (hg19) VCF-style: chr15-30699583-C-T.
Identifiers: ClinVar variation 4821346 (VCV004821346.4).